The following is an entry in ClinVar:

NM_015650.4(TRAF3IP1):c.1582G>A (p.Ala528Thr)

Gene: TRAF3IP1 (TRAF3 interacting protein 1; plus strand). Cytogenetic location: 2q37.3.
Variant type: single nucleotide variant.
Coding change: c.1582G>A on transcript NM_015650.4 (MANE Select); coding-DNA position 1582, G replaced by A.
Protein change: p.Ala528Thr; replaces alanine 528 with threonine.
Molecular consequence: missense variant.
Genome position (GRCh38, 1-based): chr2:238,353,179, G>A. VCF-style: chr2-238353179-G-A. GRCh37 (hg19) VCF-style: chr2-239261820-G-A.
Other names: c.1384G>A, p.Ala462Thr (NM_001139490.1); short protein forms A462T, A528T.
Identifiers: ClinVar variation 1487559 (VCV001487559.6), dbSNP rs2106327565, ClinGen allele CA351233648.
Genomic context (GRCh38, chr2:238,353,179, plus strand): 5'-CTTTAAAATTCAACAAGCCTGAATCTTCTTTTTCCCCCTTCCTTTCCTGCTCAGGTAACA[G>A]CAGTGGAACTAGAAGAAGAGGAGAAGCATGGTGAGTCCTGGGCACGAGTGTGCATGTATG-3'
Protein context (NP_056465.2, residues 518-538): SEMSEIEMVT[Ala528Thr]VELEEEEKHG

ClinVar aggregate classification (germline): Uncertain significance (1 of 4 stars; one submission).

Submission:

Labcorp Genetics (formerly Invitae), Labcorp
Classification: Uncertain significance. Last evaluated: 2021-11-08. Review status: criteria provided, single submitter. Criteria: Invitae Variant Classification Sherloc (09022015). Collection method: clinical testing. Allele origin: germline.
Comment: This sequence change replaces alanine, which is neutral and non-polar, with threonine, which is neutral and polar, at codon 528 of the TRAF3IP1 protein (p.Ala528Thr). This variant is not present in population databases (gnomAD no frequency). This variant has not been reported in the literature in individuals affected with TRAF3IP1-related conditions. Algorithms developed to predict the effect of missense changes on protein structure and function (SIFT, PolyPhen-2, Align-GVGD) all suggest that this variant is likely to be tolerated. In summary, the available evidence is currently insufficient to determine the role of this variant in disease. Therefore, it has been classified as a Variant of Uncertain Significance.